The following is an entry in ClinVar:

ClinVar aggregate classification (germline): Uncertain significance (1 of 4 stars; one submission).

Allele frequency attached by ClinVar (database versions not stated): ExAC 0.00002; gnomAD 0.00001.
gnomAD v4.1: 3 of 1,614,082 alleles (0.00019%); highest among the groups gnomAD compares: Admixed American, 0.005%; no homozygotes.

Submission:

Labcorp Genetics (formerly Invitae), Labcorp
Classification: Uncertain significance. Last evaluated: 2025-06-27. Review status: criteria provided, single submitter. Criteria: Invitae Variant Classification Sherloc (09022015). Collection method: clinical testing. Allele origin: germline.
Comment: This sequence change falls in intron 37 of the CACNA1D gene. It does not directly change the encoded amino acid sequence of the CACNA1D protein. It affects a nucleotide within the consensus splice site. This variant is present in population databases (rs772546195, gnomAD 0.009%). This variant has not been reported in the literature in individuals affected with CACNA1D-related conditions. ClinVar contains an entry for this variant (Variation ID: 1977187). Variants that disrupt the consensus splice site are a relatively common cause of aberrant splicing (PMID: 17576681, 9536098). Algorithms developed to predict the effect of sequence changes on RNA splicing suggest that this variant is not likely to affect RNA splicing. In summary, the available evidence is currently insufficient to determine the role of this variant in disease. Therefore, it has been classified as a Variant of Uncertain Significance.

Literature cited by the submitters: PubMed 17576681; PubMed 9536098.

NM_001128840.3(CACNA1D):c.4490+4G>C

Gene: CACNA1D (calcium voltage-gated channel subunit alpha1 D; plus strand). Cytogenetic location: 3p21.1.
Variant type: single nucleotide variant.
Coding change: c.4490+4G>C on transcript NM_001128840.3 (MANE Select); 4 bases into the intron after coding-DNA position 4490, G replaced by C.
Molecular consequence: intron variant.
Genome position (GRCh38, 1-based): chr3:53,776,734, G>C. VCF-style: chr3-53776734-G-C. GRCh37 (hg19) VCF-style: chr3-53810761-G-C.
Other names: c.4445+4G>C (NM_001128839.3); c.4550+4G>C (NM_000720.4).
Identifiers: ClinVar variation 1977187 (VCV001977187.5), dbSNP rs772546195, ClinGen allele CA2454889.